The following is an entry in ClinVar:

ClinVar aggregate classification (germline): Uncertain significance. Review status: criteria provided, multiple submitters, no conflicts (2 of 4 stars). 2 submissions from 2 submitters: Uncertain significance (2). Last evaluated 2024-12-13.

Conditions:
Neuronal ceroid lipofuscinosis. Also called: Neuronal Ceroid Lipofuscinoses. Identifiers: Orphanet 216, Orphanet 79263, MedGen C0027877, MONDO:0016295. Disease mechanism: loss of function.

Submissions (2):

GeneDx
Classification: Uncertain significance. Last evaluated: 2024-12-13. Review status: criteria provided, single submitter. Criteria: GeneDx Variant Classification Process June 2021. Collection method: clinical testing. Allele origin: germline. Affected: yes.
Comment: Not observed at significant frequency in large population cohorts (gnomAD); In silico analysis supports that this missense variant has a deleterious effect on protein structure/function; Has not been previously published as pathogenic or benign to our knowledge

Labcorp Genetics (formerly Invitae), Labcorp
Classification: Uncertain significance for Neuronal ceroid lipofuscinosis. Last evaluated: 2024-09-01. Review status: criteria provided, single submitter. Criteria: Invitae Variant Classification Sherloc (09022015). Collection method: clinical testing. Allele origin: germline.
Comment: This sequence change replaces arginine, which is basic and polar, with proline, which is neutral and non-polar, at codon 36 of the DNAJC5 protein (p.Arg36Pro). This variant also falls at the last nucleotide of exon 2, which is part of the consensus splice site for this exon. This variant is not present in population databases (gnomAD no frequency). This variant has not been reported in the literature in individuals affected with DNAJC5-related conditions. An algorithm developed to predict the effect of missense changes on protein structure and function (PolyPhen-2) suggests that this variant is likely to be disruptive. Variants that disrupt the consensus splice site are a relatively common cause of aberrant splicing (PMID: 17576681, 9536098). In summary, the available evidence is currently insufficient to determine the role of this variant in disease. Therefore, it has been classified as a Variant of Uncertain Significance.

Literature cited by the submitters: PubMed 17576681 (cited by Labcorp Genetics (formerly Invitae), Labcorp); PubMed 9536098 (cited by Labcorp Genetics (formerly Invitae), Labcorp).

NM_025219.3(DNAJC5):c.107G>C (p.Arg36Pro)

Gene: DNAJC5 (DnaJ heat shock protein family (Hsp40) member C5; plus strand). Cytogenetic location: 20q13.33.
Variant type: single nucleotide variant.
Coding change: c.107G>C on transcript NM_025219.3 (MANE Select); coding-DNA position 107, G replaced by C.
Protein change: p.Arg36Pro; replaces arginine 36 with proline.
Molecular consequence: missense variant.
Genome position (GRCh38, 1-based): chr20:63,928,452, G>C. VCF-style: chr20-63928452-G-C. GRCh37 (hg19) VCF-style: chr20-62559805-G-C.
Other names: c.107G>C (NM_025219.2); short protein forms R36P.
Identifiers: ClinVar variation 3664128 (VCV003664128.3).